The following is an entry in ClinVar:

NM_001458.5(FLNC):c.4172C>T (p.Ser1391Leu)

Gene: FLNC (filamin C; plus strand). Cytogenetic location: 7q32.1.
Variant type: single nucleotide variant.
Coding change: c.4172C>T on transcript NM_001458.5 (MANE Select); coding-DNA position 4172, C replaced by T.
Protein change: p.Ser1391Leu; replaces serine 1391 with leucine.
Molecular consequence: missense variant.
Genome position (GRCh38, 1-based): chr7:128,846,789, C>T. VCF-style: chr7-128846789-C-T. GRCh37 (hg19) VCF-style: chr7-128486843-C-T.
Other names: c.4172C>T, p.Ser1391Leu (NM_001127487.2); short protein forms S1391L.
Identifiers: ClinVar variation 950821 (VCV000950821.13), dbSNP rs755832014, ClinGen allele CA4475268.

ClinVar aggregate classification (germline): Conflicting classifications of pathogenicity. Review status: criteria provided, conflicting classifications (1 of 4 stars). 4 submissions from 4 submitters: Uncertain significance (2); Likely benign (2). Last evaluated 2025-03-29.

Conditions:
Myofibrillar myopathy 5. Also called: Filaminopathy (type); FILAMINOPATHY, AUTOSOMAL DOMINANT. Identifiers: Orphanet 171445, MedGen C1836050, MONDO:0012289, OMIM 609524.
Distal myopathy with posterior leg and anterior hand involvement. Also called: WILLIAMS DISTAL MYOPATHY. Identifiers: Orphanet 63273, MedGen C3279722, MONDO:0013550, OMIM 614065.
Hypertrophic cardiomyopathy 26. Also called: Cardiomyopathy, familial hypertrophic, 26. Identifiers: Orphanet 75249, MedGen C4310749, MONDO:0014883, OMIM 617047.
Cardiovascular phenotype. Identifiers: MedGen CN230736.

Allele frequency attached by ClinVar (database versions not stated): TOPMed below 0.00001; gnomAD 0.00001 and 0.00003; ExAC 0.00007.
gnomAD v4.1: 37 of 1,614,074 alleles (0.0023%); highest among the groups gnomAD compares: South Asian, 0.034%; no homozygotes.

Submissions (4):

Labcorp Genetics (formerly Invitae), Labcorp
Classification: Likely benign for Distal myopathy with posterior leg and anterior hand involvement; Myofibrillar myopathy 5; Hypertrophic cardiomyopathy 26. Last evaluated: 2025-03-29. Review status: criteria provided, single submitter. Criteria: Invitae Variant Classification Sherloc (09022015). Collection method: clinical testing. Allele origin: germline.

Blueprint Genetics
Classification: Likely benign. Last evaluated: 2024-03-25. Review status: criteria provided, single submitter. Criteria: ACMG Guidelines, 2015. Collection method: clinical testing. Allele origin: germline.

Ambry Genetics
Classification: Uncertain significance for Cardiovascular phenotype. Last evaluated: 2023-11-01. Review status: criteria provided, single submitter. Criteria: Ambry Variant Classification Scheme 2023. Collection method: clinical testing. Allele origin: germline.
Comment: The p.S1391L variant (also known as c.4172C>T), located in coding exon 24 of the FLNC gene, results from a C to T substitution at nucleotide position 4172. The serine at codon 1391 is replaced by leucine, an amino acid with dissimilar properties. This amino acid position is conserved. In addition, this alteration is predicted to be deleterious by in silico analysis. Since supporting evidence is limited at this time, the clinical significance of this alteration remains unclear.

Revvity Omics, Revvity
Classification: Uncertain significance. Last evaluated: 2019-07-01. Review status: criteria provided, single submitter. Criteria: ACMG Guidelines, 2015. Collection method: clinical testing. Allele origin: germline.